The following is an entry in ClinVar:

NM_007294.4(BRCA1):c.1468_1513dup (p.Lys505delinsThrThrAspAsnThrArgAlaSerProHisLysTer)

Gene: BRCA1 (BRCA1 DNA repair associated; minus strand). Cytogenetic location: 17q21.31.
Variant type: Duplication.
Coding change: c.1468_1513dup on transcript NM_007294.4 (MANE Select); coding-DNA positions 1468 to 1513, 46 bases duplicated.
Protein change: p.Lys505delinsThrThrAspAsnThrArgAlaSerProHisLysTer.
Molecular consequence: nonsense. On other transcripts: frameshift variant (1), intron variant (137).
Genome position (GRCh38, 1-based): chr17:43,094,018-43,094,063, 46 bases duplicated. GRCh37 (hg19): chr17:41,246,035-41,246,080.
Other names: c.1255_1300dup, p.Lys434delinsThrThrAspAsnThrArgAlaSerProHisLysTer (NM_001407571.1, NM_001407853.1, NM_001407894.1 and 9 more transcripts); c.1468_1513dup, p.Lys505delinsThrThrAspAsnThrArgAlaSerProHisLysTer (NM_001407581.1, NM_001407582.1, NM_001407583.1 and 30 more transcripts); c.1465_1510dup, p.Lys504delinsThrThrAspAsnThrArgAlaSerProHisLysTer (NM_001407587.1, NM_001407590.1, NM_001407591.1 and 22 more transcripts); c.1459_1504dup, p.Lys502delinsThrThrAspAsnThrArgAlaSerProHisLysTer (NM_001407646.1, NM_001407647.1); c.1345_1390dup, p.Lys464delinsThrThrAspAsnThrArgAlaSerProHisLysTer (NM_001407648.1, NM_001407664.1, NM_001407665.1 and 19 more transcripts); c.1342_1387dup, p.Lys463delinsThrThrAspAsnThrArgAlaSerProHisLysTer (NM_001407649.1, NM_001407670.1, NM_001407671.1 and 11 more transcripts); c.1390_1435dup, p.Lys479delinsThrThrAspAsnThrArgAlaSerProHisLysTer (NM_001407653.1, NM_001407654.1, NM_001407655.1 and 4 more transcripts); c.1387_1432dup, p.Lys478delinsThrThrAspAsnThrArgAlaSerProHisLysTer (NM_001407659.1, NM_001407660.1, NM_001407661.1 and 1 more transcripts); and 41 more.
Identifiers: ClinVar variation 1683334 (VCV001683334.2), dbSNP rs2154441580, ClinGen allele CA2573154085.

ClinVar aggregate classification (germline): Likely pathogenic (1 of 4 stars; one submission).

Conditions:
Hereditary breast ovarian cancer syndrome. Also called: Hereditary breast and ovarian cancer syndrome; BRCA1- and BRCA2-Associated Hereditary Breast and Ovarian Cancer; Hereditary breast and ovarian cancer syndrome (HBOC); Hereditary breast and/or ovarian cancer syndrome; Breast and ovarian cancer; Hereditary breast and ovarian cancer. Identifiers: Orphanet 145, MedGen C0677776, MeSH D061325, MONDO:0003582. Disease mechanism: loss of function.

Submission:

Women's Health and Genetics/Laboratory Corporation of America, LabCorp
Classification: Likely pathogenic for Hereditary breast ovarian cancer syndrome. Last evaluated: 2022-04-08. Review status: criteria provided, single submitter. Criteria: LabCorp Variant Classification Summary - May 2015. Collection method: clinical testing. Allele origin: germline.
Comment: Variant summary: BRCA1 c.1468_1513dup46 (p.Lys505ThrfsX12) results in a premature termination codon, predicted to cause a truncation of the encoded protein or absence of the protein due to nonsense mediated decay, which are commonly known mechanisms for disease. Truncations downstream of this position have been classified as pathogenic by our laboratory. The variant was absent in 251044 control chromosomes (gnomAD). To our knowledge, no occurrence of c.1468_1513dup46 in individuals affected with Hereditary Breast and Ovarian Cancer Syndrome and no experimental evidence demonstrating its impact on protein function have been reported. No clinical diagnostic laboratories have submitted clinical-significance assessments for this variant to ClinVar after 2014. Based on the evidence outlined above, the variant was classified as likely pathogenic.